The following is an entry in ClinVar:

ClinVar aggregate classification (germline): Uncertain significance (1 of 4 stars; one submission).

Allele frequency attached by ClinVar (database versions not stated): gnomAD exomes below 0.00001 and 0.00001; ExAC 0.00001; gnomAD 0.00002; TOPMed 0.00004; ESP Exome Variant Server 0.00008.
gnomAD v4.1: 9 of 1,613,966 alleles (0.00056%); highest among the groups gnomAD compares: Admixed American, 0.005%; no homozygotes.

Submission:

Labcorp Genetics (formerly Invitae), Labcorp
Classification: Uncertain significance. Last evaluated: 2022-03-16. Review status: criteria provided, single submitter. Criteria: Invitae Variant Classification Sherloc (09022015). Collection method: clinical testing. Allele origin: germline.
Comment: Algorithms developed to predict the effect of missense changes on protein structure and function (SIFT, PolyPhen-2, Align-GVGD) all suggest that this variant is likely to be tolerated. In summary, the available evidence is currently insufficient to determine the role of this variant in disease. Therefore, it has been classified as a Variant of Uncertain Significance. This variant has not been reported in the literature in individuals affected with AHR-related conditions. This variant is present in population databases (rs370044719, gnomAD 0.006%). This sequence change replaces histidine, which is basic and polar, with tyrosine, which is neutral and polar, at codon 555 of the AHR protein (p.His555Tyr).

NM_001621.5(AHR):c.1663C>T (p.His555Tyr)

Gene: AHR (aryl hydrocarbon receptor; plus strand). Cytogenetic location: 7p21.1.
Variant type: single nucleotide variant.
Coding change: c.1663C>T on transcript NM_001621.5 (MANE Select); coding-DNA position 1663, C replaced by T.
Protein change: p.His555Tyr; replaces histidine 555 with tyrosine.
Molecular consequence: missense variant.
Genome position (GRCh38, 1-based): chr7:17,339,488, C>T. VCF-style: chr7-17339488-C-T. GRCh37 (hg19) VCF-style: chr7-17379112-C-T.
Other names: short protein forms H555Y.
Identifiers: ClinVar variation 1477810 (VCV001477810.4), dbSNP rs370044719, ClinGen allele CA4172166.